The following is an entry in ClinVar:

ClinVar aggregate classification (germline): Uncertain significance (1 of 4 stars; one submission).

Conditions:
X-linked agammaglobulinemia with growth hormone deficiency (IGHD3). Also called: AGAMMAGLOBULINEMIA AND ISOLATED GROWTH HORMONE DEFICIENCY, X-LINKED; ISOLATED GROWTH HORMONE DEFICIENCY, TYPE III, WITH AGAMMAGLOBULINEMIA; FLEISHER SYNDROME; HYPOGAMMAGLOBULINEMIA AND ISOLATED GROWTH HORMONE DEFICIENCY, X-LINKED; IGHD III; Isolated growth hormone deficiency type 3. Identifiers: Orphanet 231692, Orphanet 631, MedGen C0472813, MONDO:0010615, OMIM 307200.

Submission:

Labcorp Genetics (formerly Invitae), Labcorp
Classification: Uncertain significance for X-linked agammaglobulinemia with growth hormone deficiency. Last evaluated: 2020-02-18. Review status: criteria provided, single submitter. Criteria: Invitae Variant Classification Sherloc (09022015). Collection method: clinical testing. Allele origin: germline.
Comment: This variant is not present in population databases (ExAC no frequency). This sequence change replaces leucine with proline at codon 482 of the BTK protein (p.Leu482Pro). The leucine residue is highly conserved and there is a moderate physicochemical difference between leucine and proline. This variant has not been reported in the literature in individuals with BTK-related conditions. In summary, the available evidence is currently insufficient to determine the role of this variant in disease. Therefore, it has been classified as a Variant of Uncertain Significance. Algorithms developed to predict the effect of missense changes on protein structure and function (SIFT, PolyPhen-2, Align-GVGD) all suggest that this variant is likely to be disruptive, but these predictions have not been confirmed by published functional studies and their clinical significance is uncertain.

NM_000061.3(BTK):c.1445T>C (p.Leu482Pro)

Gene: BTK (Bruton tyrosine kinase; minus strand). Cytogenetic location: Xq22.1.
Variant type: single nucleotide variant.
Coding change: c.1445T>C on transcript NM_000061.3 (MANE Select); coding-DNA position 1445, T replaced by C.
Protein change: p.Leu482Pro; replaces leucine 482 with proline.
Molecular consequence: missense variant. On other transcripts: intron variant (1).
Genome position (GRCh38, 1-based): chrX:101,356,173, A>G on the plus strand (T>C on the coding strand, the complement: BTK is on the minus strand). VCF-style: chrX-101356173-A-G. GRCh37 (hg19) VCF-style: chrX-100611161-A-G.
Other names: c.1547T>C, p.Leu516Pro (NM_001287344.2); c.1039-1479T>C (NM_001287345.2); short protein forms L482P, L516P.
Identifiers: ClinVar variation 1038668 (VCV001038668.10), dbSNP rs1926474231, ClinGen allele CA413924097.
Genomic context (GRCh38, chrX:101,356,173, plus strand): 5'-CACATCTCTAGCAGCTGCTGAGTCTGGAAGCGGTGGCGCATCTCCCTCAGGTAGTTCAGG[A>G]GGCAGCCATTGGCCATGTACTCAGTGATGATGAAGATGGGGCGCTGCTTGGTGCAGACGC-3'
Protein context (NP_000052.1, residues 472-492): IITEYMANGC[Leu482Pro]LNYLREMRHR